The following is an entry in ClinVar:

NM_000053.4(ATP7B):c.1886del (p.Ala629fs)

Gene: ATP7B (ATPase copper transporting beta; minus strand). Cytogenetic location: 13q14.3.
Variant type: Deletion.
Coding change: c.1886del on transcript NM_000053.4 (MANE Select); coding-DNA position 1886, one base deleted (C; older notation c.1886delC).
Protein change: p.Ala629fs; shifts the reading frame from alanine 629.
Molecular consequence: frameshift variant. On other transcripts: intron variant (13).
Genome position (GRCh38, 1-based): chr13:51,961,897, G deleted on the plus strand (C on the coding strand, the reverse complement: ATP7B is on the minus strand). VCF-style (leftmost placement, unchanged base first): chr13-51961896-AG-A. GRCh37 (hg19) VCF-style: chr13-52536032-AG-A.
Other names: c.1886del, p.Ala629fs (NM_001406537.1, NM_001406538.1, NM_001330578.2 and 16 more transcripts); c.1457del, p.Ala486fs (NM_001406539.1); c.1869+2975del (NM_001406541.1, NM_001406531.1, NM_001406532.1 and 5 more transcripts); c.1773+2975del (NM_001406543.1, NM_001406544.1); c.1286-11736del (NM_001406548.1); c.1708-4290del (NM_001406547.1, NM_001406545.1); c.1553del, p.Ala518fs (NM_001243182.2); c.1853del, p.Ala618fs (NM_001406514.1, NM_001406524.1); and 1 more; short protein forms A486fs, A518fs, A597fs, A618fs, A629fs.
Identifiers: ClinVar variation 3766495 (VCV003766495.3).

ClinVar aggregate classification (germline): Pathogenic. Review status: criteria provided, multiple submitters, no conflicts (2 of 4 stars). 2 submissions from 2 submitters: Pathogenic (2). Last evaluated 2025-11-18.

Conditions:
Wilson disease (WND). Also called: Wilson's disease. Identifiers: Orphanet 905, MedGen C0019202, MONDO:0010200, OMIM 277900. Disease mechanism: loss of function.

Submissions (2):

Color Diagnostics, LLC DBA Color Health
Classification: Pathogenic for Wilson disease. Last evaluated: 2025-11-18. Review status: criteria provided, single submitter. Criteria: ACMG Guidelines, 2015. Collection method: clinical testing. Allele origin: germline.
Comment: This variant deletes 1 nucleotide in exon 6 of the ATP7B gene, creating a frameshift and premature translation stop signal. This variant is expected to result in an absent or non-functional protein product. To our knowledge, this variant has not been reported in individuals affected with ATP7B-related disorders in the literature. This variant has not been identified in the general population by the Genome Aggregation Database (gnomAD). Loss of ATP7B function is a known mechanism of disease. Based on the available evidence, this variant is classified as Pathogenic.

ARUP Laboratories, Molecular Genetics and Genomics, ARUP Laboratories
Classification: Pathogenic for Wilson disease. Last evaluated: 2025-06-24. Review status: criteria provided, single submitter. Criteria: ARUP Molecular Germline Variant Investigation Process 2024. Collection method: clinical testing. Allele origin: germline.
Comment: The ATP7B c.1886del, p.Ala629ValfsTer19 variant (rs763923560), to our knowledge, is not reported in the medical literature or gene specific databases. This variant is only observed on one allele in the Genome Aggregation Database (v2.1.1), indicating it is not a common polymorphism. This variant causes a frameshift by deleting a single nucleotide, so it is predicted to result in a truncated protein or mRNA subject to nonsense-mediated decay. Based on available information, this variant is considered to be pathogenic.